The following is an entry in ClinVar:

ClinVar aggregate classification (germline): Conflicting classifications of pathogenicity. Review status: criteria provided, conflicting classifications (1 of 4 stars). 9 submissions from 9 submitters: Pathogenic (1); Uncertain significance (4); Likely benign (4). Last evaluated 2026-03-24.

Conditions:
Inborn genetic diseases. Identifiers: MedGen C0950123, MeSH D030342.
Microcephaly-micromelia syndrome. Identifiers: Orphanet 572768, MedGen C1855079, MONDO:0009619, OMIM 251230.
Microcephaly, short stature, and limb abnormalities. Identifiers: Orphanet 572773, MedGen C4539873, MONDO:0060533, OMIM 617604.

Allele frequency attached by ClinVar (database versions not stated): 1000 Genomes Project 30x 0.00047; ExAC below 0.00001; gnomAD exomes 0.00171 and 0.00087; gnomAD 0.00090; TOPMed 0.00146.
gnomAD v4.1: 1,134 of 1,252,790 alleles (0.091%); highest among the groups gnomAD compares: Middle Eastern, 0.37%; 1 homozygote.

Submissions (9):

Women's Health and Genetics/Laboratory Corporation of America, LabCorp
Classification: Uncertain significance. Last evaluated: 2026-03-24. Review status: criteria provided, single submitter. Criteria: LabCorp Variant Classification Summary - May 2015. Collection method: clinical testing. Allele origin: germline.
Comment: Variant summary: DONSON c.82A>C (p.Ser28Arg) results in a non-conservative amino acid change in the encoded protein sequence. Algorithms developed to predict the effect of missense changes on protein structure and function are either unavailable or do not agree on the potential impact of this missense change. The variant allele was found at a frequency of 0.0017 in 2340 control chromosomes. The available data on variant occurrences in the general population are insufficient to allow any conclusion about variant significance. c.82A>C has been observed in individuals affected withMicrocephaly, Short Stature, And Limb Abnormalities (Reynolds_2017, AlAbdi_2023, Vaseghi_2023). These data do not allow any conclusion about variant significance. At least one publication reports experimental evidence evaluating an impact on protein function and shows no significant effect of this variant (Reynolds_2017). The following publications have been ascertained in the context of this evaluation (PMID: 37644014, 28191891, 37823350). ClinVar contains an entry for this variant (Variation ID: 431446). Based on the evidence outlined above, the variant was classified as uncertain significance.

3billion
Classification: Uncertain significance for Microcephaly, short stature, and limb abnormalities. Last evaluated: 2025-11-30. Review status: criteria provided, single submitter. Criteria: ACMG Guidelines, 2015. Collection method: clinical testing. Allele origin: germline. Affected: yes.
Comment: The variant is observed at an extremely low frequency in the gnomAD v4.1.0 dataset (total allele frequency: 0.091%). Predicted Consequence/Location: Missense variant In silico tool predictions suggest no damaging effect of the variant on gene or gene product [REVEL: 0.07 (<0.4); 3Cnet: 0.00 (<0.1, specificity 0.84 and negative predicitive value 0.97)]. The variant has been reported at least twice as benign with clinical assertions and evidence for the classification (ClinVar ID: VCV000431446). Therefore, this variant is classified as VUS according to the recommendation of ACMG/AMP guideline.

CeGaT Center for Human Genetics Tuebingen
Classification: Likely benign. Last evaluated: 2025-11-01. Review status: criteria provided, single submitter. Criteria: CeGaT Center For Human Genetics Tuebingen Variant Classification Criteria Version 2. Collection method: clinical testing. Allele origin: germline. Affected: yes. Observed: 2 variant alleles.
Comment: DONSON: BS3:Supporting

Labcorp Genetics (formerly Invitae), Labcorp
Classification: Uncertain significance. Last evaluated: 2025-01-08. Review status: criteria provided, single submitter. Criteria: Invitae Variant Classification Sherloc (09022015). Collection method: clinical testing. Allele origin: germline.
Comment: This sequence change replaces serine, which is neutral and polar, with arginine, which is basic and polar, at codon 28 of the DONSON protein (p.Ser28Arg). This variant is present in population databases (rs768071555, gnomAD 0.8%), and has an allele count higher than expected for a pathogenic variant. This missense change has been observed in individual(s) with microcephalic dwarfism (PMID: 28191891) or clinical features of this condition (PMID: 37644014, 37823350). It has been reported as part of a shared haplotype with p.Lys489Thr and c.786-33A>G variants in affected individuals (PMID: 28191891). ClinVar contains an entry for this variant (Variation ID: 431446). Invitae Evidence Modeling of protein sequence and biophysical properties (such as structural, functional, and spatial information, amino acid conservation, physicochemical variation, residue mobility, and thermodynamic stability) indicates that this missense variant is not expected to disrupt DONSON protein function with a negative predictive value of 80%. In summary, the available evidence is currently insufficient to determine the role of this variant in disease. Therefore, it has been classified as a Variant of Uncertain Significance.

Blueprint Genetics
Classification: Likely benign. Last evaluated: 2024-11-07. Review status: criteria provided, single submitter. Criteria: ACMG Guidelines, 2015. Collection method: clinical testing. Allele origin: germline.

Department of Pathology and Laboratory Medicine, Sinai Health System
Classification: Likely benign for microcephaly, short stature, and limb abnormalities. Last evaluated: 2022-06-16. Review status: criteria provided, single submitter. Criteria: ACMG Guidelines, 2015. Collection method: research. Allele origin: germline.

Victorian Clinical Genetics Services, Murdoch Childrens Research Institute
Classification: Likely benign for Microcephaly, short stature, and limb abnormalities. Last evaluated: 2022-03-31. Review status: criteria provided, single submitter. Criteria: ACMG Guidelines, 2015. Collection method: clinical testing. Allele origin: germline. Inheritance: Autosomal recessive inheritance. Affected: yes.
Comment: Based on the classification scheme VCGS_Germline_v1.3.4, this variant is classified as Likely benign. Following criteria are met: 0102 - Loss of function is a known mechanism of disease in this gene and is associated with microcephaly, short stature, and limb abnormalities (MIM#617604) and microcephaly-micromelia syndrome (MIM#251230). (I) 0106 - This gene is associated with autosomal recessive disease. However there has been one previous report of an individual with femoral facial syndrome who was only heterozygous for one DONSON variant (PMID: 31407851). (I) 0200 - Variant is predicted to result in a missense amino acid change from serine to arginine. (I) 0251 - This variant is heterozygous. (I) 0304 - Variant is present in gnomAD (v3) <0.01 for a recessive condition (141 heterozygotes, 0 homozygotes). (SP) 0309 - An alternative amino acid change at the same position has been observed in gnomAD (v3) (4 heterozygotes, 0 homozygotes). (I) 0503 - Missense variant consistently predicted to be tolerated by multiple in silico tools or not conserved in placental mammals with a minor amino acid change. (SB) 0604 - Variant is not located in an established domain, motif, hotspot or informative constraint region. (I) 0705 - No comparable missense variants have previous evidence for pathogenicity. (I) 0806 - This variant has moderate previous evidence of being benign in unrelated individuals. This variant has been observed on an ancetral haplotype and in cis with another missense variant p.(Lys489Thr) that is considered pathogenic in at least seven unrelated individuals (ClinVar, PMID: 28191891). This variant has also been classified as pathogenic and as a VUS by clinical laboratories in ClinVar. (SB) 1004 - This variant has moderate functional evidence supporting normal protein function. Western blot and immunoblot studies have shown this variant does not reduce the levels of DONSON protein (PMID: 28191891). This variant has also been shown to rescue spontaneous replication fork stalling observed on DONSON depletion (PMID: 28191891). (I) Legend: (SP) - Supporting pathogenic, (I) - Information, (SB) - Supporting benign

Ambry Genetics
Classification: Pathogenic for Inborn genetic diseases. Last evaluated: 2021-09-08. Review status: criteria provided, single submitter. Criteria: Ambry Variant Classification Scheme 2023. Collection method: clinical testing. Allele origin: germline.
Comment: The c.82A>C (p.S28R) alteration is located in exon 1 (coding exon 1) of the DONSON gene. This alteration results from an A to C substitution at nucleotide position 82, causing the serine (S) at amino acid position 28 to be replaced by an arginine (R). The c.1466A>C (p.K489T) alteration is located in exon 9 (coding exon 9) of the DONSON gene. This alteration results from an A to C substitution at nucleotide position 1466, causing the lysine (K) at amino acid position 489 to be replaced by a threonine (T). The p.S28R and p.K489T alterations have been observed to be linked in cis and form a haplotype which also includes an intronic c.786-33A>G change (Reynolds, 2017). Based on the available evidence, the DONSON c.[82A>C;1466A>C] (p.[S28R;K489T]) haplotype is classified as pathogenic._x000D_ _x000D_ VUS if seen without c.1466A>C Based on data from gnomAD, the C allele has an overall frequency of 0.08% (25/33238) total alleles studied. The highest observed frequency was 0.66% (3/452) of Ashkenazi Jewish alleles. This haplotype including p.S28R, p.K489T, and c.786-33A>G was detected in the heterozygous state in trans with truncating variants in five unrelated patients with microcephalic dwarfism (Reynolds, 2017). The p.S28 and p.K489 amino acids are not well conserved in available vertebrate species. Of the three variants in the common haplotype, only p.K489T was found to have a negative effect in functional studies. The p.S28R alteration failed to reduce protein levels and was able to complement loss of endogenous DONSON during replication fork stalling (Reynolds, 2017). The p.S28R and p.K489T alterations are predicted to be tolerated by in silico analysis. Based on the available evidence, this alteration is classified as pathogenic.

Genomic Research Center, Shahid Beheshti University of Medical Sciences
Classification: Uncertain significance for Microcephaly-micromelia syndrome. Last evaluated: 2018-03-05. Review status: criteria provided, single submitter. Criteria: ACMG Guidelines, 2015. Collection method: clinical testing. Allele origin: inherited. Affected: no. Observed: 2 variant alleles.

Literature cited by the submitters: PubMed 28191891 (cited by 4 submitters); PubMed 37644014 (cited by Women's Health and Genetics/Laboratory Corporation of America, LabCorp and Labcorp Genetics (formerly Invitae), Labcorp); PubMed 37823350 (cited by Women's Health and Genetics/Laboratory Corporation of America, LabCorp and Labcorp Genetics (formerly Invitae), Labcorp); PubMed 31407851 (cited by Victorian Clinical Genetics Services, Murdoch Childrens Research Institute); PubMed 28331220 (cited by Ambry Genetics).

NM_017613.4(DONSON):c.82A>C (p.Ser28Arg)

Gene: DONSON (DNA replication fork stabilization factor DONSON; minus strand). Cytogenetic location: 21q22.11.
Variant type: single nucleotide variant.
Coding change: c.82A>C on transcript NM_017613.4 (MANE Select); coding-DNA position 82, A replaced by C.
Protein change: p.Ser28Arg; replaces serine 28 with arginine.
Molecular consequence: missense variant.
Genome position (GRCh38, 1-based): chr21:33,588,560, T>G on the plus strand (A>C on the coding strand, the complement: DONSON is on the minus strand). VCF-style: chr21-33588560-T-G. GRCh37 (hg19) VCF-style: chr21-34960866-T-G.
Other names: short protein forms S28R.
Identifiers: ClinVar variation 431446 (VCV000431446.48), dbSNP rs768071555, ClinGen allele CA10010677.